The following is an entry in ClinVar:

ClinVar aggregate classification (germline): Uncertain significance (1 of 4 stars; one submission).

Submission:

GeneDx
Classification: Uncertain significance. Last evaluated: 2017-03-07. Review status: criteria provided, single submitter. Criteria: GeneDx Variant Classification (06012015). Collection method: clinical testing. Allele origin: germline. Affected: yes.
Comment: A variant of uncertain significance has been identified in the MYH11 gene. The A1923S variant has not been published as pathogenic or been reported as benign to our knowledge. Additionally, this variant is not observed in large population cohorts (Lek et al., 2016; 1000 Genomes Consortium et al., 2015; Exome Variant Server). The A1923S variant is a non-conservative amino acid substitution, which is likely to impact secondary protein structure as these residues differ in polarity, charge, size and/or other properties. This substitution occurs at a position that is conserved in mammals. However, Serine is the wild-type residue at this position in multiple non-mammalian species and in silico analysis is inconsistent in its predictions as to whether or not the variant is damaging to the protein structure/function.

NM_002474.3(MYH11):c.5767G>T (p.Ala1923Ser)

Genes: MYH11 (myosin heavy chain 11; minus strand), NDE1 (nudE neurodevelopment protein 1; plus strand). Cytogenetic location: 16p13.11.
Variant type: single nucleotide variant.
Coding change: c.5767G>T on transcript NM_002474.3 (MANE Select); coding-DNA position 5767, G replaced by T.
Protein change: p.Ala1923Ser; replaces alanine 1923 with serine.
Molecular consequence: missense variant. On other transcripts: intron variant (2).
Genome position (GRCh38, 1-based): chr16:15,714,928, C>A on the plus strand (G>T on the coding strand, the complement: MYH11 is on the minus strand). VCF-style: chr16-15714928-C-A. GRCh37 (hg19) VCF-style: chr16-15808785-C-A.
Other names: c.5788G>T, p.Ala1930Ser (NM_001040113.2, NM_001040114.2); c.5767G>T, p.Ala1923Ser (NM_022844.3); c.948-9263C>A (NM_001143979.2, NM_017668.3); short protein forms A1923S, A1930S.
Identifiers: ClinVar variation 424073 (VCV000424073.2), dbSNP rs571504063, ClinGen allele CA16620073.